The following is an entry in ClinVar:

NM_001110556.2(FLNA):c.6273C>T (p.Asp2091=)

Gene: FLNA (filamin A; minus strand). Cytogenetic location: Xq28.
Variant type: single nucleotide variant.
Coding change: c.6273C>T on transcript NM_001110556.2 (MANE Select); coding-DNA position 6273, C replaced by T.
Protein change: p.Asp2091=; no amino-acid change (aspartic acid 2091 retained).
Molecular consequence: synonymous variant.
Genome position (GRCh38, 1-based): chrX:154,352,878, G>A on the plus strand (C>T on the coding strand, the complement: FLNA is on the minus strand). VCF-style: chrX-154352878-G-A. GRCh37 (hg19) VCF-style: chrX-153581246-G-A.
Other names: c.6249C>T, p.Asp2083= (NM_001456.4).
Identifiers: ClinVar variation 704290 (VCV000704290.40), dbSNP rs781913265, ClinGen allele CA10560128.

ClinVar aggregate classification (germline): Likely benign. Review status: criteria provided, multiple submitters, no conflicts (2 of 4 stars). 4 submissions from 4 submitters: Likely benign (4). Last evaluated 2025-11-22.

Conditions:
Heterotopia, periventricular, X-linked dominant (PVNH1). Also called: PERIVENTRICULAR NODULAR HETEROTOPIA 1; X-linked periventricular heterotopia; PERIVENTRICULAR NODULAR HETEROTOPIA 4; HETEROTOPIA, PERIVENTRICULAR, 1. Identifiers: Orphanet 2149, Orphanet 82004, MedGen C1848213, MONDO:0010233, OMIM 300049.
Oto-palato-digital syndrome, type II (OPD2). Also called: Otopalatodigital Syndrome, Type II; Otopalatodigital Syndrome Type 2 (FLNA-OPD2); FACIOPALATOOSSEOUS SYNDROME; OPD II SYNDROME. Identifiers: Orphanet 669, Orphanet 90652, MedGen C1844696, MONDO:0010571, OMIM 304120.
Melnick-Needles syndrome (MNS). Also called: OSTEODYSPLASTY OF MELNICK AND NEEDLES; Melnick-Needles Syndrome (FLNA-MNS); MELNICK-NEEDLES OSTEODYSPLASTY. Identifiers: Orphanet 2484, MedGen C0025237, MONDO:0010650, OMIM 309350.
Frontometaphyseal dysplasia (FMD1). Identifiers: Orphanet 1826, MedGen C0265293, MONDO:0015942.
Familial thoracic aortic aneurysm and aortic dissection (TAAD). Also called: Thoracic aortic aneurysms and dissections. Identifiers: Orphanet 91387, MedGen C4707243, MONDO:0019625.

Allele frequency attached by ClinVar (database versions not stated): gnomAD exomes 0.00001 and 0.00002; ExAC 0.00002; TOPMed 0.00003; gnomAD 0.00004.
gnomAD v4.1: 20 of 1,210,447 alleles (0.0017%); highest among the groups gnomAD compares: Non-Finnish European, 0.0021%; no homozygotes.

Submissions (4):

Labcorp Genetics (formerly Invitae), Labcorp
Classification: Likely benign for Oto-palato-digital syndrome, type II; Heterotopia, periventricular, X-linked dominant; Frontometaphyseal dysplasia; Melnick-Needles syndrome. Last evaluated: 2025-11-22. Review status: criteria provided, single submitter. Criteria: Invitae Variant Classification Sherloc (09022015). Collection method: clinical testing. Allele origin: germline.

CeGaT Center for Human Genetics Tuebingen
Classification: Likely benign. Last evaluated: 2023-03-01. Review status: criteria provided, single submitter. Criteria: CeGaT Center For Human Genetics Tuebingen Variant Classification Criteria Version 2. Collection method: clinical testing. Allele origin: germline. Affected: yes. Observed: 1 variant allele.
Comment: FLNA: BP4, BP7

GeneDx
Classification: Likely benign. Last evaluated: 2020-10-16. Review status: criteria provided, single submitter. Criteria: GeneDx Variant Classification Process June 2021. Collection method: clinical testing. Allele origin: germline. Affected: yes.

Ambry Genetics
Classification: Likely benign for Familial thoracic aortic aneurysm and aortic dissection. Last evaluated: 2019-07-01. Review status: criteria provided, single submitter. Criteria: Ambry Variant Classification Scheme 2023. Collection method: clinical testing. Allele origin: germline.